The following is an entry in ClinVar:

NM_030632.3(ASXL3):c.29_47dup (p.Arg17fs)

Gene: ASXL3 (ASXL transcriptional regulator 3; plus strand). Cytogenetic location: 18q12.1.
Variant type: Duplication.
Coding change: c.29_47dup on transcript NM_030632.3 (MANE Select); coding-DNA positions 29 to 47, 19 bases duplicated (GCACCTGGGCCGAGGCTGC).
Protein change: p.Arg17fs; shifts the reading frame from arginine 17.
Molecular consequence: frameshift variant.
Genome position (GRCh38, 1-based): chr18:33,578,660-33,578,678, GCACCTGGGCCGAGGCTGC duplicated; duplicating any 19 consecutive bases within chr18:33,578,659-33,578,678 gives the same sequence; the c. name uses the placement nearest the transcript's 3' end. VCF-style (leftmost placement, unchanged base first): chr18-33578658-C-CCGCACCTGGGCCGAGGCTG. GRCh37 (hg19) VCF-style: chr18-31158622-C-CCGCACCTGGGCCGAGGCTG.
Other names: short protein forms R17fs.
Identifiers: ClinVar variation 4880813 (VCV004880813.2).
Genomic context (GRCh38, chr18:33,578,658, plus strand): 5'-ACGTCATCATCAGAACCATCAATGAGATGCAAACATGAAAGACAAGAGGAAGAAGAAGGA[C>CCGCACCTGGGCCGAGGCTG]CGCACCTGGGCCGAGGCTGCCCGCCTGGTACGTACCGCCCCCCACACGCCGCCCGCGCCT-3'

ClinVar aggregate classification (germline): Likely pathogenic (1 of 4 stars; one submission).

Conditions:
Bainbridge-Ropers syndrome. Also called: Severe feeding difficulties-failure to thrive-microcephaly due to ASXL3 deficiency syndrome. Identifiers: Orphanet 352577, MedGen C4750837, MONDO:0014205, OMIM 615485.

Submission:

Dasa
Classification: Likely pathogenic for Bainbridge-Ropers syndrome. Last evaluated: 2025-10-13. Review status: criteria provided, single submitter. Criteria: DASA Assertion Criteria. Collection method: clinical testing. Allele origin: germline.
Comment: NM_030632.3(ASXL3):c.29_47dup (p.Arg17Hisfs*51) is a frameshift variant in ASXL3 predicted to alter the reading frame and introduce a premature termination codon and is predicted to result in an absent or altered protein product. Loss of function is an established disease mechanism for ASXL3 (PMID: 23383720; PMID: 26647312; PMID: 27901041). Also, this variant is absent from population databases. Based on the currently available evidence, this variant is classified as likely pathogenic.

Literature cited by the submitters: PubMed 23383720; PubMed 26647312; PubMed 27901041.